The following is an entry in ClinVar:

ClinVar aggregate classification (germline): Uncertain significance (1 of 4 stars; one submission).

Submission:

CeGaT Center for Human Genetics Tuebingen
Classification: Uncertain significance. Last evaluated: 2023-04-01. Review status: criteria provided, single submitter. Criteria: CeGaT Center For Human Genetics Tuebingen Variant Classification Criteria Version 2. Collection method: clinical testing. Allele origin: germline. Affected: yes. Observed: 1 variant allele.
Comment: TLK2: PM2, PP2

NM_006852.6(TLK2):c.94A>G (p.Ser32Gly)

Gene: TLK2 (tousled like kinase 2; plus strand). Cytogenetic location: 17q23.2.
Variant type: single nucleotide variant.
Coding change: c.94A>G on transcript NM_006852.6 (MANE Select); coding-DNA position 94, A replaced by G.
Protein change: p.Ser32Gly; replaces serine 32 with glycine.
Molecular consequence: missense variant. On other transcripts: 5 prime UTR variant (2).
Genome position (GRCh38, 1-based): chr17:62,520,785, A>G. VCF-style: chr17-62520785-A-G. GRCh37 (hg19) VCF-style: chr17-60598146-A-G.
Other names: c.94A>G, p.Ser32Gly (NM_001284333.3, NM_001284363.1, NM_001375270.1 and 3 more transcripts); c.-258A>G (NM_001330418.3, NM_001375273.1); c.232A>G, p.Ser78Gly (NM_001375269.1); short protein forms S32G, S78G.
Identifiers: ClinVar variation 2648027 (VCV002648027.24), dbSNP rs2545089644, ClinGen allele CA400512647.